The following is an entry in ClinVar:

ClinVar aggregate classification (germline): Pathogenic (1 of 4 stars; one submission).

Conditions:
Joubert syndrome. Also called: CEREBELLOPARENCHYMAL DISORDER IV; JOUBERT-BOLTSHAUSER SYNDROME; Familial aplasia of the vermis. Identifiers: Orphanet 475, MedGen C5979921, MONDO:0018772.
Meckel-Gruber syndrome. Also called: DYSENCEPHALIA SPLANCHNOCYSTICA; GRUBER SYNDROME; Dysencephalia splachnocystica. Identifiers: Orphanet 564, MedGen C0265215, MONDO:0018921.

Submission:

Labcorp Genetics (formerly Invitae), Labcorp
Classification: Pathogenic for Joubert syndrome; Meckel-Gruber syndrome. Last evaluated: 2023-06-14. Review status: criteria provided, single submitter. Criteria: Invitae Variant Classification Sherloc (09022015). Collection method: clinical testing. Allele origin: germline.
Comment: This sequence change creates a premature translational stop signal (p.Asn1202Ilefs*4) in the RPGRIP1L gene. It is expected to result in an absent or disrupted protein product. Loss-of-function variants in RPGRIP1L are known to be pathogenic (PMID: 17558409). This variant is not present in population databases (gnomAD no frequency). This variant has not been reported in the literature in individuals affected with RPGRIP1L-related conditions. ClinVar contains an entry for this variant (Variation ID: 1391379). For these reasons, this variant has been classified as Pathogenic.

Literature cited by the submitters: PubMed 17558409.

NM_015272.5(RPGRIP1L):c.3605_3608del (p.Asn1202fs)

Gene: RPGRIP1L (RPGRIP1 like; minus strand). Cytogenetic location: 16q12.2.
Variant type: Deletion.
Coding change: c.3605_3608del on transcript NM_015272.5 (MANE Select); coding-DNA positions 3605 to 3608, 4 bases deleted (ACTA; older notation c.3605_3608delACTA).
Protein change: p.Asn1202fs; shifts the reading frame from asparagine 1202.
Molecular consequence: frameshift variant.
Genome position (GRCh38, 1-based): chr16:53,619,033-53,619,036, TAGT deleted on the plus strand (ACTA on the coding strand, the reverse complement: RPGRIP1L is on the minus strand); deleting any 4 consecutive bases within chr16:53,619,033-53,619,038 gives the same sequence; the c. name uses the placement nearest the transcript's 3' end. VCF-style (leftmost placement, unchanged base first): chr16-53619032-ATAGT-A. GRCh37 (hg19) VCF-style: chr16-53652944-ATAGT-A.
Other names: c.3365_3368del, p.Asn1122fs (NM_001127897.4); c.3467_3470del, p.Asn1156fs (NM_001308334.3); c.3503_3506del, p.Asn1168fs (NM_001330538.2); short protein forms N1156fs, N1202fs, N1122fs, N1168fs.
Identifiers: ClinVar variation 1391379 (VCV001391379.6), dbSNP rs2150964195, ClinGen allele CA2573152463.